The following is an entry in ClinVar:

NM_003628.6(PKP4):c.2203G>C (p.Asp735His)

Genes: PKP4 (plakophilin 4; plus strand), PKP4-AS1 (PKP4 antisense RNA 1; minus strand). Cytogenetic location: 2q24.1.
Variant type: single nucleotide variant.
Coding change: c.2203G>C on transcript NM_003628.6 (MANE Select); coding-DNA position 2203, G replaced by C.
Protein change: p.Asp735His; replaces aspartic acid 735 with histidine.
Molecular consequence: missense variant. On other transcripts: non-coding transcript variant (1).
Genome position (GRCh38, 1-based): chr2:158,661,442, G>C. VCF-style: chr2-158661442-G-C. GRCh37 (hg19) VCF-style: chr2-159517954-G-C.
Other names: c.2203G>C, p.Asp735His (NM_001005476.4, NM_001304971.2, NM_001377218.1 and 1 more transcripts); c.2200G>C, p.Asp734His (NM_001304969.3, NM_001377219.1, NM_001377220.1 and 2 more transcripts); c.1174G>C, p.Asp392His (NM_001304970.3); c.2197G>C, p.Asp733His (NM_001377222.1, NM_001377223.1); c.2194G>C, p.Asp732His (NM_001377224.1); short protein forms D392H, D734H, D732H, D735H, D733H.
Identifiers: ClinVar variation 3933371 (VCV003933371.1).
Genomic context (GRCh38, chr2:158,661,442, plus strand): 5'-GAGGGGCTGGTAGACTCACTGTTGTATGTGATCCACACGTGTGTGAACACATCCGATTAC[G>C]ACAGCAAGGTCAGTGCCGGCCTGGTTGCAGGAGGGCGTGGTGGCAGGTGACCATGATGCC-3'
Protein context (NP_003619.2, residues 725-745): IHTCVNTSDY[Asp735His]SKTVENCVCT

ClinVar aggregate classification (germline): Uncertain significance (1 of 4 stars; one submission).

Submission:

Ambry Genetics
Classification: Uncertain significance. Last evaluated: 2025-06-07. Review status: criteria provided, single submitter. Criteria: Ambry Variant Classification Scheme 2023. Collection method: clinical testing. Allele origin: germline.
Comment: The p.D735H variant (also known as c.2203G>C), located in coding exon 12 of the PKP4 gene, results from a G to C substitution at nucleotide position 2203. The aspartic acid at codon 735 is replaced by histidine, an amino acid with similar properties. This amino acid position is conserved. In addition, this alteration is predicted to be deleterious by in silico analysis. Based on the available evidence, the clinical significance of this variant remains unclear.